The following is an entry in ClinVar:

ClinVar aggregate classification (germline): Likely benign. Review status: criteria provided, multiple submitters, no conflicts (2 of 4 stars). 2 submissions from 2 submitters: Likely benign (2). Last evaluated 2026-03-29.

Conditions:
Cardiovascular phenotype. Identifiers: MedGen CN230736.

gnomAD v4.1: 8 of 1,610,796 alleles (0.0005%); highest among the groups gnomAD compares: Non-Finnish European, 0.00059%; no homozygotes.

Submissions (2):

Ambry Genetics
Classification: Likely benign for Cardiovascular phenotype. Last evaluated: 2026-03-29. Review status: criteria provided, single submitter. Criteria: Ambry Variant Classification Scheme 2023. Collection method: clinical testing. Allele origin: germline.

Women's Health and Genetics/Laboratory Corporation of America, LabCorp
Classification: Likely benign. Last evaluated: 2024-11-26. Review status: criteria provided, single submitter. Criteria: LabCorp Variant Classification Summary - May 2015. Collection method: clinical testing. Allele origin: germline.
Comment: Variant summary: TNXB c.7803G>C alters a conserved nucleotide resulting in a synonymous change. Consensus agreement among computation tools predict no significant impact on normal splicing. However, these predictions have yet to be confirmed by functional studies. The variant allele was found at a frequency of 4.1e-06 in 244446 control chromosomes (gnomAD). The available data on variant occurrences in the general population are insufficient to allow any conclusion about variant significance. To our knowledge, no occurrence of c.7803G>C in individuals affected with Ehlers-Danlos syndrome due to tenascin-X deficiency and no experimental evidence demonstrating its impact on protein function have been reported. No submitters have cited clinical-significance assessments for this variant to ClinVar. Based on the evidence outlined above, the variant was classified as likely benign.

NM_001365276.2(TNXB):c.7803G>C (p.Pro2601=)

Gene: TNXB (tenascin XB; minus strand). Cytogenetic location: 6p21.33.
Variant type: single nucleotide variant.
Coding change: c.7803G>C on transcript NM_001365276.2 (MANE Select); coding-DNA position 7803, G replaced by C.
Protein change: p.Pro2601=; no amino-acid change (proline 2601 retained).
Molecular consequence: synonymous variant.
Genome position (GRCh38, 1-based): chr6:32,058,080, C>G on the plus strand (G>C on the coding strand, the complement: TNXB is on the minus strand). VCF-style: chr6-32058080-C-G. GRCh37 (hg19) VCF-style: chr6-32025857-C-G.
Other names: c.8544G>C, p.Pro2848= (NM_001428335.1); c.7803G>C, p.Pro2601= (NM_019105.8); c.7803G>C (NM_019105.6).
Identifiers: ClinVar variation 3629539 (VCV003629539.3).
Genomic context (GRCh38, chr6:32,058,080, plus strand): 5'-GGCTGTCTTCCAACCCTGCCCCACCCACACTCACTCACCTGTGACGCCCACGGCAGACAC[C>G]GGGCCCAGGCGCCGCCCCTCGTGGAGGCCGTACAGGTGCATCTTGTACTTGCGCCCAGGC-3'
Protein context (NP_001352205.1, residues 2591-2611): YGLHEGRRLG[Pro2601=]VSAVGVTEDE